The following is an entry in ClinVar:

ClinVar aggregate classification (germline): Uncertain significance (1 of 4 stars; one submission).

Conditions:
Arrhythmogenic cardiomyopathy with wooly hair and keratoderma. Also called: PALMOPLANTAR KERATODERMA WITH LEFT VENTRICULAR CARDIOMYOPATHY AND WOOLLY HAIR; Carvajal syndrome; Dilated cardiomyopathy with woolly hair and keratoderma; Arrhythmogenic cardiomyopathy with woolly hair and keratoderma. Identifiers: Orphanet 65282, MedGen C1854063, MONDO:0011581, OMIM 605676.

Submission:

All of Us Research Program, National Institutes of Health
Classification: Uncertain significance for Arrhythmogenic cardiomyopathy with wooly hair and keratoderma. Last evaluated: 2023-11-02. Review status: criteria provided, single submitter. Criteria: ACMG Guidelines, 2015. Collection method: clinical testing. Allele origin: germline. Inheritance: Autosomal dominant inheritance. Observed: 1 variant allele, 1 heterozygote.
Comment: This missense variant replaces isoleucine with methionine at codon 99 of the DSP protein. Computational prediction suggests that this variant may not impact protein structure and function (internally defined REVEL score threshold <= 0.5, PMID: 27666373). To our knowledge, functional studies have not been reported for this variant. This variant has not been reported in individuals affected with DSP-related disorders in the literature. This variant has not been identified in the general population by the Genome Aggregation Database (gnomAD). The available evidence is insufficient to determine the role of this variant in disease conclusively. Therefore, this variant is classified as a Variant of Uncertain Significance.

This study involves interpretation of variants in research participants for the purpose of population health screening. Participant phenotype was not available at the time of variant classification. Additional details can be found in publication PMID: 35346344, PMCID: PMC8962531

NM_004415.4(DSP):c.297A>G (p.Ile99Met)

Gene: DSP (desmoplakin; plus strand). Cytogenetic location: 6p24.3.
Variant type: single nucleotide variant.
Coding change: c.297A>G on transcript NM_004415.4 (MANE Select); coding-DNA position 297, A replaced by G.
Protein change: p.Ile99Met; replaces isoleucine 99 with methionine.
Molecular consequence: missense variant.
Genome position (GRCh38, 1-based): chr6:7,558,139, A>G. VCF-style: chr6-7558139-A-G. GRCh37 (hg19) VCF-style: chr6-7558372-A-G.
Other names: c.297A>G, p.Ile99Met (NM_001008844.3, NM_001319034.2, NM_001406591.1); short protein forms I99M.
Identifiers: ClinVar variation 3074238 (VCV003074238.1), dbSNP rs2533848955, ClinGen allele CA362671149.